The following is an entry in ClinVar:

NM_033056.4(PCDH15):c.4513_4571del (p.Asn1505fs)

Gene: PCDH15 (protocadherin related 15; minus strand). Cytogenetic location: 10q21.1.
Variant type: Deletion.
Coding change: c.4513_4571del on transcript NM_033056.4 (MANE Plus Clinical); coding-DNA positions 4513 to 4571, 59 bases deleted.
Protein change: p.Asn1505fs; shifts the reading frame from asparagine 1505.
Molecular consequence: frameshift variant. On other transcripts: intron variant (8).
Genome position (GRCh38, 1-based): chr10:53,823,155-53,823,213, 59 bases deleted. GRCh37 (hg19): chr10:55,582,917-55,582,975.
Other names: c.4534_4592del, p.Asn1512fs (NM_001142763.2); c.4519_4577del, p.Asn1507fs (NM_001142764.2); c.4306_4364del, p.Asn1436fs (NM_001142765.2); c.4504_4562del, p.Asn1502fs (NM_001142766.2); c.4393_4451del, p.Asn1465fs (NM_001142767.2); c.4453_4511del, p.Asn1485fs (NM_001142768.2); c.4444_4502del, p.Asn1482fs (NM_001142773.2); c.4447_4505del, p.Asn1483fs (NM_001354404.2); and 6 more; short protein forms N1485fs, N1505fs, N1502fs, N1507fs, N1436fs, N1465fs, N1483fs, N1482fs.
Identifiers: ClinVar variation 2039094 (VCV002039094.4), dbSNP rs2492409057, ClinGen allele CA2580081671.

ClinVar aggregate classification (germline): Pathogenic (1 of 4 stars; one submission).

Submission:

Labcorp Genetics (formerly Invitae), Labcorp
Classification: Pathogenic. Last evaluated: 2021-12-09. Review status: criteria provided, single submitter. Criteria: Invitae Variant Classification Sherloc (09022015). Collection method: clinical testing. Allele origin: germline.
Comment: For these reasons, this variant has been classified as Pathogenic. This variant disrupts a region of the PCDH15 protein in which other variant(s) (p.Leu1573Glufs*18) have been determined to be pathogenic (Invitae). This suggests that this is a clinically significant region of the protein, and that variants that disrupt it are likely to be disease-causing. This variant has not been reported in the literature in individuals affected with PCDH15-related conditions. This variant is not present in population databases (gnomAD no frequency). This sequence change creates a premature translational stop signal (p.Asn1505Profs*2) in the PCDH15 gene. While this is not anticipated to result in nonsense mediated decay, it is expected to disrupt the last 451 amino acid(s) of the PCDH15 protein.